The following is an entry in ClinVar:

NM_000430.4(PAFAH1B1):c.721C>T (p.Arg241Trp)

Gene: PAFAH1B1 (platelet activating factor acetylhydrolase 1b regulatory subunit 1; plus strand). Cytogenetic location: 17p13.3.
Variant type: single nucleotide variant.
Coding change: c.721C>T on transcript NM_000430.4 (MANE Select); coding-DNA position 721, C replaced by T.
Protein change: p.Arg241Trp; replaces arginine 241 with tryptophan.
Molecular consequence: missense variant.
Genome position (GRCh38, 1-based): chr17:2,674,109, C>T. VCF-style: chr17-2674109-C-T. GRCh37 (hg19) VCF-style: chr17-2577403-C-T.
Other names: short protein forms R241W.
Identifiers: ClinVar variation 1433601 (VCV001433601.8), dbSNP rs906198937, ClinGen allele CA286907866.
Genomic context (GRCh38, chr17:2,674,109, plus strand): 5'-TATATTGACAGCTACTGTGTGAAGACATTCACAGGACACAGAGAATGGGTACGTATGGTA[C>T]GGCCAAATCAAGATGGCACTCTGATAGCCAGCTGTTCCAATGACCAGACTGTGCGTGTAT-3'
Protein context (NP_000421.1, residues 231-251): TGHREWVRMV[Arg241Trp]PNQDGTLIAS

ClinVar aggregate classification (germline): Uncertain significance (1 of 4 stars; one submission).

Allele frequency attached by ClinVar (database versions not stated): TOPMed below 0.00001; gnomAD exomes 0.00001.

Submission:

Labcorp Genetics (formerly Invitae), Labcorp
Classification: Uncertain significance. Last evaluated: 2025-09-27. Review status: criteria provided, single submitter. Criteria: Invitae Variant Classification Sherloc (09022015). Collection method: clinical testing. Allele origin: germline.
Comment: This sequence change replaces arginine, which is basic and polar, with tryptophan, which is neutral and slightly polar, at codon 241 of the PAFAH1B1 protein (p.Arg241Trp). This variant is not present in population databases (gnomAD no frequency). This variant has not been reported in the literature in individuals affected with PAFAH1B1-related conditions. ClinVar contains an entry for this variant (Variation ID: 1433601). An algorithm developed to predict the effect of missense changes on protein structure and function (PolyPhen-2) suggests that this variant is likely to be tolerated. This variant disrupts the p.Arg241Pro amino acid residue in PAFAH1B1. Other variant(s) that disrupt this residue have been determined to be pathogenic (PMID: 14581661; internal data). This suggests that this residue is clinically significant, and that variants that disrupt this residue are likely to be disease-causing. In summary, the available evidence is currently insufficient to determine the role of this variant in disease. Therefore, it has been classified as a Variant of Uncertain Significance.

Literature cited by the submitters: PubMed 14581661.